The following is an entry in ClinVar:

NM_005359.6(SMAD4):c.520A>G (p.Thr174Ala)

Gene: SMAD4 (SMAD family member 4; plus strand). Cytogenetic location: 18q21.2.
Variant type: single nucleotide variant.
Coding change: c.520A>G on transcript NM_005359.6 (MANE Select); coding-DNA position 520, A replaced by G.
Protein change: p.Thr174Ala; replaces threonine 174 with alanine.
Molecular consequence: missense variant.
Genome position (GRCh38, 1-based): chr18:51,054,846, A>G. VCF-style: chr18-51054846-A-G. GRCh37 (hg19) VCF-style: chr18-48581216-A-G.
Other names: short protein forms T174A.
Identifiers: ClinVar variation 1374471 (VCV001374471.10), dbSNP rs1333974956, ClinGen allele CA402460795.

ClinVar aggregate classification (germline): Uncertain significance. Review status: criteria provided, multiple submitters, no conflicts (2 of 4 stars). 2 submissions from 2 submitters: Uncertain significance (2). Last evaluated 2025-10-15.

Conditions:
Familial thoracic aortic aneurysm and aortic dissection (TAAD). Also called: Thoracic aortic aneurysms and dissections. Identifiers: Orphanet 91387, MedGen C4707243, MONDO:0019625.
Hereditary cancer-predisposing syndrome. Also called: Hereditary neoplastic syndrome; Hereditary Cancer Syndrome; Neoplastic Syndromes, Hereditary; Tumor predisposition. Identifiers: Orphanet 140162, MedGen C0027672, MeSH D009386, MONDO:0015356.
Juvenile polyposis syndrome (JPS). Identifiers: Orphanet 2929, MedGen C0345893, MONDO:0017380, OMIM 174900.

Allele frequency attached by ClinVar (database versions not stated): gnomAD exomes below 0.00001.
gnomAD v4.1: 4 of 1,613,928 alleles (0.00025%); highest among the groups gnomAD compares: Non-Finnish European, 0.00034%; no homozygotes.

Submissions (2):

Labcorp Genetics (formerly Invitae), Labcorp
Classification: Uncertain significance for Juvenile polyposis syndrome. Last evaluated: 2025-10-15. Review status: criteria provided, single submitter. Criteria: Invitae Variant Classification Sherloc (09022015). Collection method: clinical testing. Allele origin: germline.
Comment: This sequence change replaces threonine, which is neutral and polar, with alanine, which is neutral and non-polar, at codon 174 of the SMAD4 protein (p.Thr174Ala). This variant is present in population databases (no rsID available, gnomAD 0.0009%). This variant has not been reported in the literature in individuals affected with SMAD4-related conditions. ClinVar contains an entry for this variant (Variation ID: 1374471). Invitae Evidence Modeling of protein sequence and biophysical properties (such as structural, functional, and spatial information, amino acid conservation, physicochemical variation, residue mobility, and thermodynamic stability) indicates that this missense variant is not expected to disrupt SMAD4 protein function with a negative predictive value of 95%. In summary, the available evidence is currently insufficient to determine the role of this variant in disease. Therefore, it has been classified as a Variant of Uncertain Significance.

Ambry Genetics
Classification: Uncertain significance for Hereditary cancer-predisposing syndrome; Familial thoracic aortic aneurysm and aortic dissection. Last evaluated: 2021-08-05. Review status: criteria provided, single submitter. Criteria: Ambry Variant Classification Scheme 2023. Collection method: clinical testing. Allele origin: germline.
Comment: The p.T174A variant (also known as c.520A>G), located in coding exon 4 of the SMAD4 gene, results from an A to G substitution at nucleotide position 520. The threonine at codon 174 is replaced by alanine, an amino acid with similar properties. This amino acid position is not well conserved in available vertebrate species. In addition, this alteration is predicted to be tolerated by in silico analysis. Since supporting evidence is limited at this time, the clinical significance of this alteration remains unclear.